The following is an entry in ClinVar:

ClinVar aggregate classification (germline): Uncertain significance (1 of 4 stars; one submission).

Conditions:
Hereditary cancer-predisposing syndrome. Also called: Hereditary Cancer Syndrome; Hereditary neoplastic syndrome; Neoplastic Syndromes, Hereditary; Tumor predisposition. Identifiers: Orphanet 140162, MedGen C0027672, MeSH D009386, MONDO:0015356.

Submission:

Ambry Genetics
Classification: Uncertain significance for Hereditary cancer-predisposing syndrome. Last evaluated: 2022-03-03. Review status: criteria provided, single submitter. Criteria: Ambry Variant Classification Scheme 2023. Collection method: clinical testing. Allele origin: germline.
Comment: The p.Q47P variant (also known as c.140A>C), located in coding exon 2 of the SDHD gene, results from an A to C substitution at nucleotide position 140. The glutamine at codon 47 is replaced by proline, an amino acid with similar properties. This amino acid position is conserved. In addition, this alteration is predicted to be deleterious by in silico analysis. Since supporting evidence is limited at this time, the clinical significance of this alteration remains unclear.

NM_003002.4(SDHD):c.140A>C (p.Gln47Pro)

Gene: SDHD (succinate dehydrogenase complex subunit D; plus strand). Cytogenetic location: 11q23.1.
Variant type: single nucleotide variant.
Coding change: c.140A>C on transcript NM_003002.4 (MANE Select); coding-DNA position 140, A replaced by C.
Protein change: p.Gln47Pro; replaces glutamine 47 with proline.
Molecular consequence: missense variant. On other transcripts: non-coding transcript variant (1), intron variant (1).
Genome position (GRCh38, 1-based): chr11:112,087,944, A>C. VCF-style: chr11-112087944-A-C. GRCh37 (hg19) VCF-style: chr11-111958668-A-C.
Other names: c.140A>C, p.Gln47Pro (NM_001276503.2, NM_001276506.2); c.53-923A>C (NM_001276504.2); short protein forms Q47P.
Identifiers: ClinVar variation 1771976 (VCV001771976.2), dbSNP rs899706404, ClinGen allele CA382617070.